The following is an entry in ClinVar:

ClinVar aggregate classification (germline): Pathogenic (1 of 4 stars; one submission).

Conditions:
Neurofibromatosis, type 1 (NF1). Also called: Peripheral type neurofibromatosis; VON RECKLINGHAUSEN DISEASE; NEUROFIBROMATOSIS, TYPE I, SOMATIC; Neurofibromatosis, type I. Identifiers: Orphanet 636, MedGen C0027831, MONDO:0018975, OMIM 162200. Disease mechanism: loss of function.

Submission:

Labcorp Genetics (formerly Invitae), Labcorp
Classification: Pathogenic for Neurofibromatosis, type 1. Last evaluated: 2024-01-10. Review status: criteria provided, single submitter. Criteria: Invitae Variant Classification Sherloc (09022015). Collection method: clinical testing. Allele origin: germline.
Comment: This sequence change creates a premature translational stop signal (p.Leu1601*) in the NF1 gene. It is expected to result in an absent or disrupted protein product. Loss-of-function variants in NF1 are known to be pathogenic (PMID: 10712197, 23913538). This variant is not present in population databases (gnomAD no frequency). This variant has not been reported in the literature in individuals affected with NF1-related conditions. For these reasons, this variant has been classified as Pathogenic.

Literature cited by the submitters: PubMed 10712197; PubMed 23913538.

NM_001042492.3(NF1):c.4865T>A (p.Leu1622Ter)

Gene: NF1 (neurofibromin 1; plus strand). Cytogenetic location: 17q11.2.
Variant type: single nucleotide variant.
Coding change: c.4865T>A on transcript NM_001042492.3 (MANE Select); coding-DNA position 4865, T replaced by A.
Protein change: p.Leu1622Ter; replaces leucine 1622 with a stop codon.
Molecular consequence: nonsense.
Genome position (GRCh38, 1-based): chr17:31,325,849, T>A. VCF-style: chr17-31325849-T-A. GRCh37 (hg19) VCF-style: chr17-29652867-T-A.
Other names: c.4802T>A, p.Leu1601Ter (NM_000267.4); short protein forms L1622*, L1601*.
Identifiers: ClinVar variation 2708706 (VCV002708706.3), dbSNP rs2151537574, ClinGen allele CA399006985.